The following is an entry in ClinVar:

NM_003239.5(TGFB3):c.1175T>C (p.Val392Ala)

Gene: TGFB3 (transforming growth factor beta 3; minus strand). Cytogenetic location: 14q24.3.
Variant type: single nucleotide variant.
Coding change: c.1175T>C on transcript NM_003239.5 (MANE Select); coding-DNA position 1175, T replaced by C.
Protein change: p.Val392Ala; replaces valine 392 with alanine.
Molecular consequence: missense variant.
Genome position (GRCh38, 1-based): chr14:75,959,251, A>G on the plus strand (T>C on the coding strand, the complement: TGFB3 is on the minus strand). VCF-style: chr14-75959251-A-G. GRCh37 (hg19) VCF-style: chr14-76425594-A-G.
Other names: c.1175T>C, p.Val392Ala (NM_001329939.2); c.1175T>C (NM_003239.2); short protein forms V392A.
Identifiers: ClinVar variation 1057432 (VCV001057432.10), dbSNP rs759168311, ClinGen allele CA7280251.

ClinVar aggregate classification (germline): Uncertain significance. Review status: criteria provided, multiple submitters, no conflicts (2 of 4 stars). 2 submissions from 2 submitters: Uncertain significance (2). Last evaluated 2025-03-24.

Conditions:
Rienhoff syndrome. Also called: LOEYS-DIETZ SYNDROME 5. Identifiers: MedGen C3810012, MONDO:0014262, OMIM 615582.

Allele frequency attached by ClinVar (database versions not stated): gnomAD 0.00001; gnomAD exomes 0.00003; ExAC 0.00004.

Submissions (2):

Labcorp Genetics (formerly Invitae), Labcorp
Classification: Uncertain significance for Rienhoff syndrome. Last evaluated: 2025-03-24. Review status: criteria provided, single submitter. Criteria: Invitae Variant Classification Sherloc (09022015). Collection method: clinical testing. Allele origin: germline.
Comment: This sequence change replaces valine, which is neutral and non-polar, with alanine, which is neutral and non-polar, at codon 392 of the TGFB3 protein (p.Val392Ala). This variant is present in population databases (rs759168311, gnomAD 0.006%). This variant has not been reported in the literature in individuals affected with TGFB3-related conditions. ClinVar contains an entry for this variant (Variation ID: 1057432). Invitae Evidence Modeling of protein sequence and biophysical properties (such as structural, functional, and spatial information, amino acid conservation, physicochemical variation, residue mobility, and thermodynamic stability) indicates that this missense variant is not expected to disrupt TGFB3 protein function with a negative predictive value of 80%. In summary, the available evidence is currently insufficient to determine the role of this variant in disease. Therefore, it has been classified as a Variant of Uncertain Significance.

GeneDx
Classification: Uncertain significance. Last evaluated: 2023-06-13. Review status: criteria provided, single submitter. Criteria: GeneDx Variant Classification Process June 2021. Collection method: clinical testing. Allele origin: germline. Affected: yes.
Comment: In silico analysis supports that this missense variant has a deleterious effect on protein structure/function; Identified in a patient with Brugada syndrome (Di Resta et al., 2015); This variant is associated with the following publications: (PMID: 26220970)